The following is an entry in ClinVar:

NM_006445.4(PRPF8):c.3317C>T (p.Ala1106Val)

Gene: PRPF8 (pre-mRNA processing factor 8; minus strand). Cytogenetic location: 17p13.3.
Variant type: single nucleotide variant.
Coding change: c.3317C>T on transcript NM_006445.4 (MANE Select); coding-DNA position 3317, C replaced by T.
Protein change: p.Ala1106Val; replaces alanine 1106 with valine.
Molecular consequence: missense variant.
Genome position (GRCh38, 1-based): chr17:1,673,875, G>A on the plus strand (C>T on the coding strand, the complement: PRPF8 is on the minus strand). VCF-style: chr17-1673875-G-A. GRCh37 (hg19) VCF-style: chr17-1577169-G-A.
Other names: short protein forms A1106V.
Identifiers: ClinVar variation 4854294 (VCV004854294.1).
Genomic context (GRCh38, chr17:1,673,875, plus strand): 5'-ACGATGTTTTCATTATTGGGGTCAGGGTGCTCTGTCAGGTAACGTTGAATCAGGTCCCGA[G>A]CCTCATCTGCTGTGAACCTACACCAGACCAGGTACACTGCTGAGGCCCCAGTACACTGAG-3'
Protein context (NP_006436.3, residues 1096-1116): HIFFRFTADE[Ala1106Val]RDLIQRYLTE

ClinVar aggregate classification (germline): Uncertain significance (1 of 4 stars; one submission).

Conditions:
PRPF8-related disorder. Also called: PRPF8-related condition.

Submission:

3billion
Classification: Uncertain significance for PRPF8-related disorder. Last evaluated: 2025-08-08. Review status: criteria provided, single submitter. Criteria: ACMG Guidelines, 2015. Collection method: clinical testing. Allele origin: germline. Affected: yes.
Comment: The variant is not observed in the gnomAD v4.1.0 dataset. Predicted Consequence/Location: Missense variant. Missense changes are a common disease-causing mechanism. Damaging effect on gene or gene product predicted by in silico programs is uncertain [REVEL: 0.59 (damaging >=0.6, benign <0.4)]. Therefore, this variant is classified as VUS according to the recommendation of ACMG/AMP guideline.